The following is an entry in ClinVar:

ClinVar aggregate classification (germline): Benign/Likely benign. Review status: criteria provided, multiple submitters, no conflicts (2 of 4 stars). 4 submissions from 4 submitters: Benign (1); Likely benign (3). Last evaluated 2025-12-22.

Conditions:
Hereditary cancer-predisposing syndrome. Also called: Hereditary Cancer Syndrome; Tumor predisposition; Neoplastic Syndromes, Hereditary; Hereditary neoplastic syndrome. Identifiers: Orphanet 140162, MedGen C0027672, MeSH D009386, MONDO:0015356.
Familial cancer of breast. Also called: hereditary breast carcinoma; BREAST CANCER, FAMILIAL; Hereditary breast cancer. Identifiers: Orphanet 227535, MedGen C0346153, MONDO:0016419, OMIM 114480. Disease mechanism: loss of function.
Ataxia-telangiectasia syndrome (AT). Also called: ATAXIA-TELANGIECTASIA, COMPLEMENTATION GROUP A; ATAXIA-TELANGIECTASIA, FRESNO VARIANT; Ataxia-telangiectasia; Ataxia-telangiectasia, complementation group E; Cerebello-oculocutaneous telangiectasia; Immunodeficiency with ataxia telangiectasia. Identifiers: Orphanet 100, MedGen C0004135, MONDO:0008840, OMIM 208900.

Allele frequency attached by ClinVar (database versions not stated): TOPMed below 0.00001; gnomAD exomes below 0.00001.
gnomAD v4.1: 2 of 1,614,182 alleles (0.00012%); highest among the groups gnomAD compares: Non-Finnish European, 0.00017%; no homozygotes.

Submissions (4):

Labcorp Genetics (formerly Invitae), Labcorp
Classification: Likely benign for Ataxia-telangiectasia syndrome. Last evaluated: 2025-12-22. Review status: criteria provided, single submitter. Criteria: Invitae Variant Classification Sherloc (09022015). Collection method: clinical testing. Allele origin: germline.

Myriad Genetics, Inc.
Classification: Benign for Familial cancer of breast. Last evaluated: 2024-06-24. Review status: criteria provided, single submitter. Criteria: Myriad Autosomal Dominant, Autosomal Recessive and X-Linked Classification Criteria (2023). Collection method: clinical testing. Allele origin: unknown.
Comment: This variant is considered benign. This variant is a silent/synonymous amino acid change and it is not expected to impact splicing.

GeneDx
Classification: Likely benign. Last evaluated: 2017-03-11. Review status: criteria provided, single submitter. Criteria: GeneDx Variant Classification (06012015). Collection method: clinical testing. Allele origin: germline. Affected: yes.
Comment: This variant is considered likely benign or benign based on one or more of the following criteria: it is a conservative change, it occurs at a poorly conserved position in the protein, it is predicted to be benign by multiple in silico algorithms, and/or has population frequency not consistent with disease.

Ambry Genetics
Classification: Likely benign for Hereditary cancer-predisposing syndrome. Last evaluated: 2014-11-25. Review status: criteria provided, single submitter. Criteria: Ambry Variant Classification Scheme 2023. Collection method: clinical testing. Allele origin: germline.

NM_000051.4(ATM):c.8919G>A (p.Arg2973=)

Genes: C11orf65 (chromosome 11 open reading frame 65; minus strand), ATM (ATM serine/threonine kinase; plus strand). Cytogenetic location: 11q22.3.
Variant type: single nucleotide variant.
Coding change: c.8919G>A on transcript NM_000051.4 (MANE Select); coding-DNA position 8919, G replaced by A.
Protein change: p.Arg2973=; no amino-acid change (arginine 2973 retained).
Molecular consequence: synonymous variant. On other transcripts: intron variant (2).
Genome position (GRCh38, 1-based): chr11:108,365,150, G>A. VCF-style: chr11-108365150-G-A. GRCh37 (hg19) VCF-style: chr11-108235877-G-A.
Other names: c.8919G>A, p.Arg2973= (NM_001351834.2); c.640+20770C>T (NM_001330368.2); c.694+20770C>T (NM_001351110.2).
Identifiers: ClinVar variation 187285 (VCV000187285.17), dbSNP rs786203613, ClinGen allele CA197245.